The following is an entry in ClinVar:

ClinVar aggregate classification (germline): Uncertain significance (1 of 4 stars; one submission).

Conditions:
Kabuki syndrome. Also called: NIIKAWA-KUROKI SYNDROME; Kabuki make-up syndrome. Identifiers: Orphanet 2322, MedGen C0796004, MONDO:0016512.

gnomAD v4.1: 2 of 1,613,890 alleles (0.00012%); highest among the groups gnomAD compares: Non-Finnish European, 0.00017%; no homozygotes.

Submission:

Labcorp Genetics (formerly Invitae), Labcorp
Classification: Uncertain significance for Kabuki syndrome. Last evaluated: 2025-09-10. Review status: criteria provided, single submitter. Criteria: Invitae Variant Classification Sherloc (09022015). Collection method: clinical testing. Allele origin: germline.
Comment: This sequence change replaces leucine, which is neutral and non-polar, with valine, which is neutral and non-polar, at codon 1789 of the KMT2D protein (p.Leu1789Val). This variant is not present in population databases (gnomAD no frequency). This variant has not been reported in the literature in individuals affected with KMT2D-related conditions. Invitae Evidence Modeling of protein sequence and biophysical properties (such as structural, functional, and spatial information, amino acid conservation, physicochemical variation, residue mobility, and thermodynamic stability) has been performed for this missense variant. However, the output from this modeling did not meet the statistical confidence thresholds required to predict the impact of this variant on KMT2D protein function. In summary, the available evidence is currently insufficient to determine the role of this variant in disease. Therefore, it has been classified as a Variant of Uncertain Significance.

NM_003482.4(KMT2D):c.5365C>G (p.Leu1789Val)

Gene: KMT2D (lysine methyltransferase 2D; minus strand). Cytogenetic location: 12q13.12.
Variant type: single nucleotide variant.
Coding change: c.5365C>G on transcript NM_003482.4 (MANE Select); coding-DNA position 5365, C replaced by G.
Protein change: p.Leu1789Val; replaces leucine 1789 with valine.
Molecular consequence: missense variant.
Genome position (GRCh38, 1-based): chr12:49,043,737, G>C on the plus strand (C>G on the coding strand, the complement: KMT2D is on the minus strand). VCF-style: chr12-49043737-G-C. GRCh37 (hg19) VCF-style: chr12-49437520-G-C.
Other names: short protein forms L1789V.
Identifiers: ClinVar variation 4739309 (VCV004739309.1).
Genomic context (GRCh38, chr12:49,043,737, plus strand): 5'-CTCCCTTGGCTTTTGGGGTCCCTAGTCCAAAGCTTGGCCGGCCCACCCCAACTGCAAAAA[G>C]GGCCTTACGGCTCAGGTCCAGCAGCTCCTTCCCAAAGAAGGCTTCCTGTGGGGCAGTCAA-3'
Protein context (NP_003473.3, residues 1779-1799): KELLDLSRKA[Leu1789Val]FAVGVGRPSF